The following is an entry in ClinVar:

ClinVar aggregate classification (germline): Uncertain significance (1 of 4 stars; one submission).

Conditions:
Frasier syndrome. Identifiers: Orphanet 347, MedGen C0950122, MeSH D052159, MONDO:0007635, OMIM 136680.
Wilms tumor 1 (WT1). Also called: Wilms tumor, somatic. Identifiers: Orphanet 654, MedGen CN033288, MONDO:0008679, OMIM 194070.
11p partial monosomy syndrome (WAGR). Also called: CHROMOSOME 11p13 DELETION SYNDROME; WAGR Spectrum Disorder; WAGR syndrome; WAGR Complex. Identifiers: Orphanet 893, MedGen C0206115, MONDO:0008681, OMIM 194072.
Drash syndrome (DDS). Also called: WILMS TUMOR AND PSEUDO- OR TRUE HERMAPHRODITISM; NEPHROPATHY, WILMS TUMOR, AND GENITAL ANOMALIES. Identifiers: Orphanet 220, MedGen C0950121, MONDO:0008682, OMIM 194080.

Submission:

Labcorp Genetics (formerly Invitae), Labcorp
Classification: Uncertain significance for Wilms tumor 1; Drash syndrome; 11p partial monosomy syndrome; Frasier syndrome. Last evaluated: 2021-08-14. Review status: criteria provided, single submitter. Criteria: Invitae Variant Classification Sherloc (09022015). Collection method: clinical testing. Allele origin: germline.
Comment: This sequence change replaces proline with glutamine at codon 184 of the WT1 protein (p.Pro184Gln). The proline residue is highly conserved and there is a moderate physicochemical difference between proline and glutamine. This variant is not present in population databases (ExAC no frequency). This variant has not been reported in the literature in individuals affected with WT1-related conditions. Algorithms developed to predict the effect of missense changes on protein structure and function (SIFT, PolyPhen-2, Align-GVGD) all suggest that this variant is likely to be disruptive. Algorithms developed to predict the effect of sequence changes on RNA splicing suggest that this variant may create or strengthen a splice site. In summary, the available evidence is currently insufficient to determine the role of this variant in disease. Therefore, it has been classified as a Variant of Uncertain Significance.

NM_024426.6(WT1):c.566C>A (p.Pro189Gln)

Genes: WT1 (WT1 transcription factor; minus strand), LOC107982234 (WT1/WT1-AS bi-directional promoter region; plus strand). Cytogenetic location: 11p13.
Variant type: single nucleotide variant.
Coding change: c.566C>A on transcript NM_024426.6 (MANE Select); coding-DNA position 566, C replaced by A.
Protein change: p.Pro189Gln; replaces proline 189 with glutamine.
Molecular consequence: missense variant. On other transcripts: non-coding transcript variant (1).
Genome position (GRCh38, 1-based): chr11:32,434,795, G>T on the plus strand (C>A on the coding strand, the complement: WT1 is on the minus strand). VCF-style: chr11-32434795-G-T. GRCh37 (hg19) VCF-style: chr11-32456341-G-T.
Other names: c.566C>A, p.Pro189Gln (NM_000378.6, NM_001407044.1, NM_001407045.1 and 6 more transcripts); c.551C>A, p.Pro184Gln (NM_024425.2); short protein forms P184Q, P189Q.
Identifiers: ClinVar variation 1965225 (VCV001965225.2), dbSNP rs745879965, ClinGen allele CA379964646.